The following is an entry in ClinVar:

NM_152327.5(AK7):c.1451C>T (p.Pro484Leu)

Gene: AK7 (adenylate kinase 7; plus strand). Cytogenetic location: 14q32.2.
Variant type: single nucleotide variant.
Coding change: c.1451C>T on transcript NM_152327.5 (MANE Select); coding-DNA position 1451, C replaced by T.
Protein change: p.Pro484Leu; replaces proline 484 with leucine.
Molecular consequence: missense variant. On other transcripts: intron variant (1).
Genome position (GRCh38, 1-based): chr14:96,471,571, C>T. VCF-style: chr14-96471571-C-T. GRCh37 (hg19) VCF-style: chr14-96937908-C-T.
Other names: c.1451C>T (NM_152327.2); c.1451C>T, p.Pro484Leu (NM_001350888.2, NM_001350890.2); c.1373C>T, p.Pro458Leu (NM_001350891.2); c.1358-6894C>T (NM_001350892.2); short protein forms P484L, P458L.
Identifiers: ClinVar variation 1940958 (VCV001940958.5), dbSNP rs897919583, ClinGen allele CA266058372.

ClinVar aggregate classification (germline): Uncertain significance. Review status: criteria provided, multiple submitters, no conflicts (2 of 4 stars). 2 submissions from 2 submitters: Uncertain significance (2). Last evaluated 2025-09-25.

Allele frequency attached by ClinVar (database versions not stated): TOPMed 0.00002; gnomAD 0.00003.
gnomAD v4.1: 4 of 1,597,116 alleles (0.00025%); highest among the groups gnomAD compares: Admixed American, 0.0071%; no homozygotes.

Submissions (2):

Labcorp Genetics (formerly Invitae), Labcorp
Classification: Uncertain significance. Last evaluated: 2025-09-25. Review status: criteria provided, single submitter. Criteria: Invitae Variant Classification Sherloc (09022015). Collection method: clinical testing. Allele origin: germline.
Comment: This sequence change replaces proline, which is neutral and non-polar, with leucine, which is neutral and non-polar, at codon 484 of the AK7 protein (p.Pro484Leu). This variant is not present in population databases (gnomAD no frequency). This variant has not been reported in the literature in individuals affected with AK7-related conditions. ClinVar contains an entry for this variant (Variation ID: 1940958). Invitae Evidence Modeling of protein sequence and biophysical properties (such as structural, functional, and spatial information, amino acid conservation, physicochemical variation, residue mobility, and thermodynamic stability) indicates that this missense variant is expected to disrupt AK7 protein function with a positive predictive value of 80%. In summary, the available evidence is currently insufficient to determine the role of this variant in disease. Therefore, it has been classified as a Variant of Uncertain Significance.

Ambry Genetics
Classification: Uncertain significance. Last evaluated: 2025-08-06. Review status: criteria provided, single submitter. Criteria: Ambry Variant Classification Scheme 2023. Collection method: clinical testing. Allele origin: germline.